The following is an entry in ClinVar:

ClinVar aggregate classification (germline): Uncertain significance (1 of 4 stars; one submission).

Allele frequency attached by ClinVar (database versions not stated): TOPMed 0.00013; gnomAD 0.00014; 1000 Genomes Project 30x 0.00016; gnomAD exomes 0.00018; ExAC 0.00048.
gnomAD v4.1: 138 of 1,520,202 alleles (0.0091%); highest among the groups gnomAD compares: Admixed American, 0.038%; 1 homozygote.

Submission:

Labcorp Genetics (formerly Invitae), Labcorp
Classification: Uncertain significance. Last evaluated: 2025-09-08. Review status: criteria provided, single submitter. Criteria: Invitae Variant Classification Sherloc (09022015). Collection method: clinical testing. Allele origin: germline.
Comment: This sequence change replaces glycine, which is neutral and non-polar, with serine, which is neutral and polar, at codon 2042 of the DSCAML1 protein (p.Gly2042Ser). The frequency data for this variant in the population databases is considered unreliable, as metrics indicate poor data quality at this position in the gnomAD database. This variant has not been reported in the literature in individuals affected with DSCAML1-related conditions. ClinVar contains an entry for this variant (Variation ID: 1393070). An algorithm developed to predict the effect of missense changes on protein structure and function (PolyPhen-2) suggests that this variant is likely to be tolerated. In summary, the available evidence is currently insufficient to determine the role of this variant in disease. Therefore, it has been classified as a Variant of Uncertain Significance.

NM_020693.4(DSCAML1):c.5944G>A (p.Gly1982Ser)

Gene: DSCAML1 (DS cell adhesion molecule like 1; minus strand). Cytogenetic location: 11q23.3.
Variant type: single nucleotide variant.
Coding change: c.5944G>A on transcript NM_020693.4 (MANE Select); coding-DNA position 5944, G replaced by A.
Protein change: p.Gly1982Ser; replaces glycine 1982 with serine.
Molecular consequence: missense variant.
Genome position (GRCh38, 1-based): chr11:117,428,546, C>T on the plus strand (G>A on the coding strand, the complement: DSCAML1 is on the minus strand). VCF-style: chr11-117428546-C-T. GRCh37 (hg19) VCF-style: chr11-117299262-C-T.
Other names: short protein forms G1982S.
Identifiers: ClinVar variation 1393070 (VCV001393070.6), dbSNP rs960537269, ClinGen allele CA6295915.